The following is an entry in ClinVar:

NM_005802.5(TOPORS):c.2666A>G (p.His889Arg)

Gene: TOPORS (TOP1 binding arginine/serine rich protein, E3 ubiquitin ligase; minus strand). Cytogenetic location: 9p21.1.
Variant type: single nucleotide variant.
Coding change: c.2666A>G on transcript NM_005802.5 (MANE Select); coding-DNA position 2666, A replaced by G.
Protein change: p.His889Arg; replaces histidine 889 with arginine.
Molecular consequence: missense variant.
Genome position (GRCh38, 1-based): chr9:32,541,859, T>C on the plus strand (A>G on the coding strand, the complement: TOPORS is on the minus strand). VCF-style: chr9-32541859-T-C. GRCh37 (hg19) VCF-style: chr9-32541857-T-C.
Other names: c.2471A>G, p.His824Arg (NM_001195622.2); short protein forms H889R, H824R.
Identifiers: ClinVar variation 523487 (VCV000523487.8), dbSNP rs762457246, ClinGen allele CA5020331.

ClinVar aggregate classification (germline): Uncertain significance. Review status: criteria provided, multiple submitters, no conflicts (2 of 4 stars). 3 submissions from 2 submitters: Uncertain significance (3). Last evaluated 2025-07-09.

Conditions:
Retinitis pigmentosa 31 (RP31). Identifiers: Orphanet 791, MedGen C1835923, MONDO:0012367, OMIM 609923.
Abnormality of vision. Identifiers: MedGen C4025846, HP:0000504.
Hypermetropia. Also called: Hyperopia. Identifiers: MedGen C0020490, MONDO:0004891, HP:0000540.
Abnormal retinal pigmentation. Identifiers: MedGen C1862475, HP:0007703.
Macular dystrophy. Identifiers: MedGen C0730292, HP:0007754.
Adult-onset night blindness. Identifiers: MedGen C4024790, HP:0007830.
Decreased light- and dark-adapted electroretinogram amplitude. Identifiers: MedGen C1839025, HP:0000654.
Pigmentary retinopathy. Also called: Pigmentary retinal deposits; Rarefaction of retinal pigmentation. Identifiers: MedGen C4551715, HP:0000580.

Allele frequency attached by ClinVar (database versions not stated): gnomAD below 0.00001 and 0.00001; TOPMed 0.00001; ExAC 0.00004; gnomAD exomes 0.00006.

Submissions (3):

Labcorp Genetics (formerly Invitae), Labcorp
Classification: Uncertain significance. Last evaluated: 2025-07-09. Review status: criteria provided, single submitter. Criteria: Invitae Variant Classification Sherloc (09022015). Collection method: clinical testing. Allele origin: germline.
Comment: This sequence change replaces histidine, which is basic and polar, with arginine, which is basic and polar, at codon 889 of the TOPORS protein (p.His889Arg). This variant is present in population databases (rs762457246, gnomAD 0.03%). This missense change has been observed in individual(s) with retinitis pigmentosa (PMID: 26720483). ClinVar contains an entry for this variant (Variation ID: 523487). Experimental studies and prediction algorithms are not available or were not evaluated, and the functional significance of this variant is currently unknown. In summary, the available evidence is currently insufficient to determine the role of this variant in disease. Therefore, it has been classified as a Variant of Uncertain Significance.

Centre for Mendelian Genomics, University Medical Centre Ljubljana
Classification: Uncertain significance for Abnormal retinal pigmentation; Abnormality of vision; Adult-onset night blindness; Decreased light- and dark-adapted electroretinogram amplitude; Hypermetropia; Macular dystrophy; Pigmentary retinopathy. Last evaluated: 2017-01-01. Review status: criteria provided, single submitter. Criteria: ACMG Guidelines, 2015. Collection method: clinical testing. Allele origin: unknown. Affected: yes.

Centre for Mendelian Genomics, University Medical Centre Ljubljana
Classification: Uncertain significance for Retinitis pigmentosa 31. Last evaluated: 2016-01-01. Review status: criteria provided, single submitter. Criteria: ACMG Guidelines, 2015. Collection method: clinical testing. Allele origin: unknown. Affected: yes.
Comment: This variant was classified as: Uncertain significance.

Literature cited by the submitters: PubMed 26720483 (cited by Labcorp Genetics (formerly Invitae), Labcorp).